The following is an entry in ClinVar:

NM_144973.4(DENND5B):c.2246G>A (p.Arg749His)

Gene: DENND5B (DENN domain containing 5B; minus strand). Cytogenetic location: 12p11.21.
Variant type: single nucleotide variant.
Coding change: c.2246G>A on transcript NM_144973.4 (MANE Select); coding-DNA position 2246, G replaced by A.
Protein change: p.Arg749His; replaces arginine 749 with histidine.
Molecular consequence: missense variant.
Genome position (GRCh38, 1-based): chr12:31,424,680, C>T on the plus strand (G>A on the coding strand, the complement: DENND5B is on the minus strand). VCF-style: chr12-31424680-C-T. GRCh37 (hg19) VCF-style: chr12-31577614-C-T.
Other names: c.2351G>A, p.Arg784His (NM_001308339.2); c.2246G>A (NM_144973.3); short protein forms R749H, R784H.
Identifiers: ClinVar variation 2664959 (VCV002664959.2), dbSNP rs2498708715, ClinGen allele CA384252196.

ClinVar aggregate classification (germline): Conflicting classifications of pathogenicity. Review status: criteria provided, conflicting classifications (1 of 4 stars). 2 submissions from 2 submitters: Likely pathogenic (1); Uncertain significance (1). Last evaluated 2026-03-12.

Conditions:
DENND5B-related neurodevelopmental disorder.

Submissions (2):

GeneDx
Classification: Likely pathogenic. Last evaluated: 2026-03-12. Review status: criteria provided, single submitter. Criteria: GeneDx Variant Classification Process June 2021. Collection method: clinical testing. Allele origin: germline.
Comment: De novo variant with confirmed parentage in a patient with features consistent with DENND5B-related neurodevelopmental disorder with multiple anomalies in the published literature (PMID: 38387458); Not observed at significant frequency in large population cohorts (gnomAD); In silico analysis supports that this missense variant has a deleterious effect on protein structure/function; This variant is associated with the following publications: (PMID: 38387458, 33057194, 35982159)

Department of Neurosciences, Rehabilitation, Ophthalmology and Maternal-Fetal Medicine (DINOGMI), University Of Genoa
Classification: Uncertain significance for DENND5B-related neurodevelopmental disorder. Last evaluated: 2023-11-23. Review status: criteria provided, single submitter. Criteria: ACMG Guidelines, 2015. Collection method: research. Allele origin: de novo. Affected: yes. Observed: 1 variant allele.
Comment: Associated with neurodevelopmental phenotypes